The following is an entry in ClinVar:

ClinVar aggregate classification (germline): Benign/Likely benign. Review status: criteria provided, multiple submitters, no conflicts (2 of 4 stars). 9 submissions from 9 submitters: Benign (1); Likely benign (6). 2 of the submissions do not count toward it. Last evaluated 2026-02-12.

Conditions:
PALB2-related disorder. Also called: PALB2-related condition; PALB2-related disorders.
Hereditary cancer-predisposing syndrome. Also called: Tumor predisposition; Hereditary neoplastic syndrome; Hereditary Cancer Syndrome; Neoplastic Syndromes, Hereditary. Identifiers: Orphanet 140162, MedGen C0027672, MeSH D009386, MONDO:0015356.
Familial cancer of breast. Also called: Hereditary breast cancer; hereditary breast carcinoma; BREAST CANCER, FAMILIAL. Identifiers: Orphanet 227535, MedGen C0346153, MONDO:0016419, OMIM 114480. Disease mechanism: loss of function.

Allele frequency attached by ClinVar (database versions not stated): TOPMed below 0.00001; gnomAD 0.00001; gnomAD exomes 0.00001; ExAC 0.00002; ESP Exome Variant Server 0.00008.
gnomAD v4.1: 15 of 1,613,088 alleles (0.00093%); highest among the groups gnomAD compares: South Asian, 0.0066%; no homozygotes.

Submissions (9):

Women's Health and Genetics/Laboratory Corporation of America, LabCorp
Classification: Likely benign. Last evaluated: 2026-02-12. Review status: criteria provided, single submitter. Criteria: LabCorp Variant Classification Summary - May 2015. Collection method: clinical testing. Allele origin: germline.

Labcorp Genetics (formerly Invitae), Labcorp
Classification: Likely benign for Familial cancer of breast. Last evaluated: 2026-01-19. Review status: criteria provided, single submitter. Criteria: Invitae Variant Classification Sherloc (09022015). Collection method: clinical testing. Allele origin: germline.

CeGaT Center for Human Genetics Tuebingen
Classification: Likely benign. Last evaluated: 2023-10-01. Review status: criteria provided, single submitter. Criteria: CeGaT Center For Human Genetics Tuebingen Variant Classification Criteria Version 2. Collection method: clinical testing. Allele origin: germline. Affected: yes. Observed: 1 variant allele.
Comment: PALB2: BP4, BP7

Myriad Genetics, Inc.
Classification: Benign for Familial cancer of breast. Last evaluated: 2023-03-31. Review status: criteria provided, single submitter. Criteria: Myriad Autosomal Dominant, Autosomal Recessive and X-Linked Classification Criteria (2023). Collection method: clinical testing. Allele origin: unknown.
Comment: This variant is considered benign. This variant is a silent/synonymous amino acid change and it is not expected to impact splicing.

Color Diagnostics, LLC DBA Color Health
Classification: Likely benign for Hereditary cancer-predisposing syndrome. Last evaluated: 2017-08-20. Review status: criteria provided, single submitter. Criteria: ACMG Guidelines, 2015. Collection method: clinical testing. Allele origin: germline.

GeneDx
Classification: Likely benign. Last evaluated: 2017-08-08. Review status: criteria provided, single submitter. Criteria: GeneDx Variant Classification (06012015). Collection method: clinical testing. Allele origin: germline. Affected: yes.
Comment: This variant is considered likely benign or benign based on one or more of the following criteria: it is a conservative change, it occurs at a poorly conserved position in the protein, it is predicted to be benign by multiple in silico algorithms, and/or has population frequency not consistent with disease.

Ambry Genetics
Classification: Likely benign for Hereditary cancer-predisposing syndrome. Last evaluated: 2014-07-29. Review status: criteria provided, single submitter. Criteria: Ambry Variant Classification Scheme 2023. Collection method: clinical testing. Allele origin: germline.

PreventionGenetics, part of Exact Sciences
Classification: Likely benign for PALB2-related condition. Last evaluated: 2019-04-08. Review status: no assertion criteria provided. Collection method: clinical testing. Allele origin: germline. Not counted in ClinVar's aggregate classification.
Comment: This variant is classified as likely benign based on ACMG/AMP sequence variant interpretation guidelines (Richards et al. 2015 PMID: 25741868, with internal and published modifications).

Counsyl
Classification: Likely benign for Familial cancer of breast. Last evaluated: 2015-12-23. Review status: no assertion criteria provided. Collection method: clinical testing. Allele origin: unknown. Not counted in ClinVar's aggregate classification.

NM_024675.4(PALB2):c.3366C>T (p.Asp1122=)

Gene: PALB2 (partner and localizer of BRCA2; minus strand). Cytogenetic location: 16p12.2.
Variant type: single nucleotide variant.
Coding change: c.3366C>T on transcript NM_024675.4 (MANE Select); coding-DNA position 3366, C replaced by T.
Protein change: p.Asp1122=; no amino-acid change (aspartic acid 1122 retained).
Molecular consequence: synonymous variant.
Genome position (GRCh38, 1-based): chr16:23,603,654, G>A on the plus strand (C>T on the coding strand, the complement: PALB2 is on the minus strand). VCF-style: chr16-23603654-G-A. GRCh37 (hg19) VCF-style: chr16-23614975-G-A.
Identifiers: ClinVar variation 136137 (VCV000136137.47), dbSNP rs373783514, ClinGen allele CA192185.